The following is an entry in ClinVar:

ClinVar aggregate classification (germline): Uncertain significance (1 of 4 stars; one submission).

Conditions:
Nemaline myopathy 5 (NEM5A). Also called: Nemaline myopathy 5, Amish type; NEMALINE MYOPATHY, AMISH TYPE; NEMALINE MYOPATHY 5A, AUTOSOMAL RECESSIVE, SEVERE INFANTILE. Identifiers: Orphanet 98902, MedGen C1854380, MONDO:0011539, OMIM 605355.

Submission:

Labcorp Genetics (formerly Invitae), Labcorp
Classification: Uncertain significance for Nemaline myopathy 5. Last evaluated: 2022-08-19. Review status: criteria provided, single submitter. Criteria: Invitae Variant Classification Sherloc (09022015). Collection method: clinical testing. Allele origin: germline.
Comment: This sequence change replaces lysine, which is basic and polar, with isoleucine, which is neutral and non-polar, at codon 245 of the TNNT1 protein (p.Lys245Ile). This variant is not present in population databases (gnomAD no frequency). This variant has not been reported in the literature in individuals affected with TNNT1-related conditions. Algorithms developed to predict the effect of missense changes on protein structure and function are either unavailable or do not agree on the potential impact of this missense change (SIFT: "Deleterious"; PolyPhen-2: "Possibly Damaging"; Align-GVGD: "Class C0"). In summary, the available evidence is currently insufficient to determine the role of this variant in disease. Therefore, it has been classified as a Variant of Uncertain Significance.

NM_003283.6(TNNT1):c.734A>T (p.Lys245Ile)

Gene: TNNT1 (troponin T1, slow skeletal type; minus strand). Cytogenetic location: 19q13.42.
Variant type: single nucleotide variant.
Coding change: c.734A>T on transcript NM_003283.6 (MANE Select); coding-DNA position 734, A replaced by T.
Protein change: p.Lys245Ile; replaces lysine 245 with isoleucine.
Molecular consequence: missense variant.
Genome position (GRCh38, 1-based): chr19:55,134,082, T>A on the plus strand (A>T on the coding strand, the complement: TNNT1 is on the minus strand). VCF-style: chr19-55134082-T-A. GRCh37 (hg19) VCF-style: chr19-55645450-T-A.
Other names: c.686A>T, p.Lys229Ile (NM_001126132.3); c.653A>T, p.Lys218Ile (NM_001126133.3, NM_001291774.2); short protein forms K218I, K245I, K229I.
Identifiers: ClinVar variation 1967208 (VCV001967208.5), dbSNP rs2515403876, ClinGen allele CA407431559.